The following is an entry in ClinVar:

NM_182916.3(TRNT1):c.210A>C (p.Leu70Phe)

Gene: TRNT1 (tRNA nucleotidyl transferase 1; plus strand). Cytogenetic location: 3p26.2.
Variant type: single nucleotide variant.
Coding change: c.210A>C on transcript NM_182916.3 (MANE Select); coding-DNA position 210, A replaced by C.
Protein change: p.Leu70Phe; replaces leucine 70 with phenylalanine.
Molecular consequence: missense variant. On other transcripts: non-coding transcript variant (8).
Genome position (GRCh38, 1-based): chr3:3,137,321, A>C. VCF-style: chr3-3137321-A-C. GRCh37 (hg19) VCF-style: chr3-3179005-A-C.
Other names: c.210A>C, p.Leu70Phe (NM_001302946.2, NM_001367321.1, NM_001367322.1 and 1 more transcripts); short protein forms L70F.
Identifiers: ClinVar variation 1000971 (VCV001000971.5), dbSNP rs750056889, ClinGen allele CA2228579.

ClinVar aggregate classification (germline): Uncertain significance (1 of 4 stars; one submission).

Conditions:
Congenital sideroblastic anemia-B-cell immunodeficiency-periodic fever-developmental delay syndrome. Also called: Sideroblastic anemia with B-cell immunodeficiency, periodic fevers, and developmental delay. Identifiers: Orphanet 369861, MedGen C4015172, MONDO:0014487, OMIM 616084.

Allele frequency attached by ClinVar (database versions not stated): TOPMed below 0.00001; ExAC 0.00002; gnomAD exomes 0.00002.
gnomAD v4.1: 7 of 1,613,036 alleles (0.00043%); highest among the groups gnomAD compares: Middle Eastern, 0.017%; no homozygotes.

Submission:

Labcorp Genetics (formerly Invitae), Labcorp
Classification: Uncertain significance for Congenital sideroblastic anemia-B-cell immunodeficiency-periodic fever-developmental delay syndrome. Last evaluated: 2024-11-05. Review status: criteria provided, single submitter. Criteria: Invitae Variant Classification Sherloc (09022015). Collection method: clinical testing. Allele origin: germline.
Comment: This sequence change replaces leucine, which is neutral and non-polar, with phenylalanine, which is neutral and non-polar, at codon 70 of the TRNT1 protein (p.Leu70Phe). This variant is present in population databases (rs750056889, gnomAD 0.007%). This variant has not been reported in the literature in individuals affected with TRNT1-related conditions. ClinVar contains an entry for this variant (Variation ID: 1000971). Invitae Evidence Modeling of protein sequence and biophysical properties (such as structural, functional, and spatial information, amino acid conservation, physicochemical variation, residue mobility, and thermodynamic stability) indicates that this missense variant is not expected to disrupt TRNT1 protein function with a negative predictive value of 80%. In summary, the available evidence is currently insufficient to determine the role of this variant in disease. Therefore, it has been classified as a Variant of Uncertain Significance.